The following is an entry in ClinVar:

NM_005477.3(HCN4):c.2833C>T (p.Pro945Ser)

Gene: HCN4 (hyperpolarization activated cyclic nucleotide gated potassium channel 4; minus strand). Cytogenetic location: 15q24.1.
Variant type: single nucleotide variant.
Coding change: c.2833C>T on transcript NM_005477.3 (MANE Select); coding-DNA position 2833, C replaced by T.
Protein change: p.Pro945Ser; replaces proline 945 with serine.
Molecular consequence: missense variant.
Genome position (GRCh38, 1-based): chr15:73,323,260, G>A on the plus strand (C>T on the coding strand, the complement: HCN4 is on the minus strand). VCF-style: chr15-73323260-G-A. GRCh37 (hg19) VCF-style: chr15-73615601-G-A.
Other names: short protein forms P945S.
Identifiers: ClinVar variation 969135 (VCV000969135.12), dbSNP rs778739758, ClinGen allele CA7648944.

ClinVar aggregate classification (germline): Uncertain significance. Review status: criteria provided, multiple submitters, no conflicts (2 of 4 stars). 3 submissions from 3 submitters: Uncertain significance (3). Last evaluated 2025-11-18.

Conditions:
Brugada syndrome 8 (BRGDA8). Identifiers: Orphanet 130, MedGen C2751083, MONDO:0013148, OMIM 613123.
Sick sinus syndrome 2, autosomal dominant (SSS2). Also called: SINUS BRADYCARDIA SYNDROME, FAMILIAL, AUTOSOMAL DOMINANT; SINUS NODE DISEASE, FAMILIAL, AUTOSOMAL DOMINANT; SICK SINUS SYNDROME 2; SICK SINUS SYNDROME 2 WITH OR WITHOUT CARDIAC NONCOMPACTION AND/OR ASCENDING AORTA DILATION; ATRIAL FIBRILLATION WITH BRADYARRHYTHMIA. Identifiers: Orphanet 166282, MedGen C1834144, MONDO:0008102, OMIM 163800.
Epilepsy, idiopathic generalized, susceptibility to, 18. Identifiers: MedGen C5561983, MONDO:0030434, OMIM 619521.
Cardiovascular phenotype. Identifiers: MedGen CN230736.

Allele frequency attached by ClinVar (database versions not stated): TOPMed 0.00001; gnomAD 0.00002; gnomAD exomes 0.00003; ExAC 0.00008.

Submissions (3):

Labcorp Genetics (formerly Invitae), Labcorp
Classification: Uncertain significance for Brugada syndrome 8. Last evaluated: 2025-11-18. Review status: criteria provided, single submitter. Criteria: Invitae Variant Classification Sherloc (09022015). Collection method: clinical testing. Allele origin: germline.
Comment: This sequence change replaces proline, which is neutral and non-polar, with serine, which is neutral and polar, at codon 945 of the HCN4 protein (p.Pro945Ser). This variant is present in population databases (rs778739758, gnomAD 0.007%). This missense change has been observed in individual(s) with atrial fibrillation (PMID: 24607718). ClinVar contains an entry for this variant (Variation ID: 969135). Invitae Evidence Modeling of protein sequence and biophysical properties (such as structural, functional, and spatial information, amino acid conservation, physicochemical variation, residue mobility, and thermodynamic stability) indicates that this missense variant is not expected to disrupt HCN4 protein function with a negative predictive value of 95%. Experimental studies have shown that this missense change does not substantially affect HCN4 function (PMID: 24607718). In summary, the available evidence is currently insufficient to determine the role of this variant in disease. Therefore, it has been classified as a Variant of Uncertain Significance.

Ambry Genetics
Classification: Uncertain significance for Cardiovascular phenotype. Last evaluated: 2022-06-13. Review status: criteria provided, single submitter. Criteria: Ambry Variant Classification Scheme 2023. Collection method: clinical testing. Allele origin: germline.
Comment: The p.P945S variant (also known as c.2833C>T), located in coding exon 8 of the HCN4 gene, results from a C to T substitution at nucleotide position 2833. The proline at codon 945 is replaced by serine, an amino acid with similar properties. This altertaion was reported in an atrial fibrillation cohort and the authors noted this alteration may have an impact on protein function (Macri V et al. Heart Rhythm, 2014 Jun;11:1055-1062). This amino acid position is poorly conserved in available vertebrate species. In addition, this alteration is predicted to be tolerated by in silico analysis. Since supporting evidence is limited at this time, the clinical significance of this alteration remains unclear.

Fulgent Genetics
Classification: Uncertain significance for Sick sinus syndrome 2, autosomal dominant; Brugada syndrome 8; Epilepsy, idiopathic generalized, susceptibility to, 18. Last evaluated: 2021-11-20. Review status: criteria provided, single submitter. Criteria: ACMG Guidelines, 2015. Collection method: clinical testing. Allele origin: unknown.

Literature cited by the submitters: PubMed 24607718 (cited by Labcorp Genetics (formerly Invitae), Labcorp and Ambry Genetics); PubMed 25642760 (cited by Ambry Genetics); PubMed 30452770 (cited by Ambry Genetics).